The following is an entry in ClinVar:

NM_006876.3(B4GAT1):c.796C>T (p.Arg266Cys)

Gene: B4GAT1 (beta-1,4-glucuronyltransferase 1; minus strand). Cytogenetic location: 11q13.2.
Variant type: single nucleotide variant.
Coding change: c.796C>T on transcript NM_006876.3 (MANE Select); coding-DNA position 796, C replaced by T.
Protein change: p.Arg266Cys; replaces arginine 266 with cysteine.
Molecular consequence: missense variant.
Genome position (GRCh38, 1-based): chr11:66,346,750, G>A on the plus strand (C>T on the coding strand, the complement: B4GAT1 is on the minus strand). VCF-style: chr11-66346750-G-A. GRCh37 (hg19) VCF-style: chr11-66114221-G-A.
Other names: short protein forms R266C.
Identifiers: ClinVar variation 1017612 (VCV001017612.6), dbSNP rs1455459346, ClinGen allele CA381417637.

ClinVar aggregate classification (germline): Uncertain significance (1 of 4 stars; one submission).

Conditions:
Muscular dystrophy-dystroglycanopathy (congenital with brain and eye anomalies), type A13. Also called: WALKER-WARBURG SYNDROME OR MUSCLE-EYE-BRAIN DISEASE, B3GNT1-RELATED; Muscular dystrophy-dystroglycanopathy (congenital with brain and eye anomalies), type a, 13. Identifiers: Orphanet 899, MedGen C3809042, MONDO:0014120, OMIM 615287.

Allele frequency attached by ClinVar (database versions not stated): gnomAD exomes below 0.00001; TOPMed below 0.00001.
gnomAD v4.1: 1 of 1,613,772 alleles (0.000062%); highest among the groups gnomAD compares: Admixed American, 0.0017%; no homozygotes.

Submission:

Labcorp Genetics (formerly Invitae), Labcorp
Classification: Uncertain significance for Muscular dystrophy-dystroglycanopathy (congenital with brain and eye anomalies), type A13. Last evaluated: 2022-01-13. Review status: criteria provided, single submitter. Criteria: Invitae Variant Classification Sherloc (09022015). Collection method: clinical testing. Allele origin: germline.
Comment: This sequence change replaces arginine, which is basic and polar, with cysteine, which is neutral and slightly polar, at codon 266 of the B4GAT1 protein (p.Arg266Cys). This variant is present in population databases (no rsID available, gnomAD 0.003%). This variant has not been reported in the literature in individuals affected with B4GAT1-related conditions. ClinVar contains an entry for this variant (Variation ID: 1017612). Algorithms developed to predict the effect of missense changes on protein structure and function are either unavailable or do not agree on the potential impact of this missense change (SIFT: "Deleterious"; PolyPhen-2: "Probably Damaging"; Align-GVGD: "Class C0"). In summary, the available evidence is currently insufficient to determine the role of this variant in disease. Therefore, it has been classified as a Variant of Uncertain Significance.